The following is an entry in ClinVar:

ClinVar aggregate classification (germline): Uncertain significance (1 of 4 stars; one submission).

Conditions:
Dyskeratosis congenita, autosomal dominant 6 (DKCA6). Identifiers: Orphanet 3322, MedGen C4225284, MONDO:0014690, OMIM 616553.

Allele frequency attached by ClinVar (database versions not stated): gnomAD exomes below 0.00001; TOPMed below 0.00001; gnomAD 0.00001.
gnomAD v4.1: 2 of 1,612,380 alleles (0.00012%); highest among the groups gnomAD compares: Non-Finnish European, 0.00017%; no homozygotes.

Submission:

Labcorp Genetics (formerly Invitae), Labcorp
Classification: Uncertain significance for Dyskeratosis congenita, autosomal dominant 6. Last evaluated: 2021-04-04. Review status: criteria provided, single submitter. Criteria: Invitae Variant Classification Sherloc (09022015). Collection method: clinical testing. Allele origin: germline.
Comment: This sequence change falls in intron 1 of the ACD gene. It does not directly change the encoded amino acid sequence of the ACD protein. It affects a nucleotide within the consensus splice site of the intron. This variant is not present in population databases (ExAC no frequency). This variant has not been reported in the literature in individuals with ACD-related conditions. Nucleotide substitutions within the consensus splice site are a relatively common cause of aberrant splicing (PMID: 17576681, 9536098). Algorithms developed to predict the effect of sequence changes on RNA splicing suggest that this variant is not likely to affect RNA splicing, but this prediction has not been confirmed by published transcriptional studies. In summary, the available evidence is currently insufficient to determine the role of this variant in disease. Therefore, it has been classified as a Variant of Uncertain Significance.

Literature cited by the submitters: PubMed 17576681; PubMed 9536098.

NM_001082486.2(ACD):c.99+3G>A

Gene: ACD (ACD shelterin complex subunit and telomerase recruitment factor; minus strand). Cytogenetic location: 16q22.1.
Variant type: single nucleotide variant.
Coding change: c.99+3G>A on transcript NM_001082486.2 (MANE Select); 3 bases into the intron after coding-DNA position 99, G replaced by A.
Molecular consequence: intron variant.
Genome position (GRCh38, 1-based): chr16:67,660,119, C>T on the plus strand (G>A on the coding strand, the complement: ACD is on the minus strand). VCF-style: chr16-67660119-C-T. GRCh37 (hg19) VCF-style: chr16-67694022-C-T.
Other names: c.99+3G>A (NM_022914.3).
Identifiers: ClinVar variation 1491480 (VCV001491480.6), dbSNP rs1189416936, ClinGen allele CA723058839.
Genomic context (GRCh38, chr16:67,660,119, plus strand): 5'-GCGGCGTCAATCCCACCACCCCGGGCCTCCGCCTCGGTCTCCGGGCCCTGAATGGGGGCT[C>T]ACCTCAAGCAGCTGCCCGGCTCGTGGACTGGAGGGTGTCTCTGACCCCAGAATCAGCTCC-3'